The following is an entry in ClinVar:

NM_152683.4(PRIMPOL):c.948G>A (p.Gln316=)

Gene: PRIMPOL (primase and DNA directed polymerase; plus strand). Cytogenetic location: 4q35.1.
Variant type: single nucleotide variant.
Coding change: c.948G>A on transcript NM_152683.4 (MANE Select); coding-DNA position 948, G replaced by A.
Protein change: p.Gln316=; no amino-acid change (glutamine 316 retained).
Molecular consequence: synonymous variant. On other transcripts: non-coding transcript variant (2), intron variant (1).
Genome position (GRCh38, 1-based): chr4:184,678,335, G>A. VCF-style: chr4-184678335-G-A. GRCh37 (hg19) VCF-style: chr4-185599489-G-A.
Other names: c.561G>A, p.Gln187= (NM_001300767.2); c.948G>A, p.Gln316= (NM_001300768.2, NM_001345891.2, NM_001345892.2 and 3 more transcripts); c.252G>A, p.Gln84= (NM_001345894.2, NM_001345897.2, NM_001345898.2 and 1 more transcripts); c.423G>A, p.Gln141= (NM_001345900.2); c.844+5875G>A (NM_001345899.2).
Identifiers: ClinVar variation 3060235 (VCV003060235.2), dbSNP rs34985821, ClinGen allele CA3154439.

ClinVar aggregate classification (germline): Benign (0 of 4 stars; one submission).

Conditions:
PRIMPOL-related disorder. Also called: PRIMPOL-related condition.

Allele frequency attached by ClinVar (database versions not stated): 1000 Genomes Project 0.06130; 1000 Genomes Project 30x 0.06465; TOPMed 0.09532; gnomAD 0.09805; ESP Exome Variant Server 0.10476; ExAC 0.11168; gnomAD exomes 0.12043.

Submission:

PreventionGenetics, part of Exact Sciences
Classification: Benign for PRIMPOL-related condition. Last evaluated: 2019-10-30. Review status: no assertion criteria provided. Collection method: clinical testing. Allele origin: germline.
Comment: This variant is classified as benign based on ACMG/AMP sequence variant interpretation guidelines (Richards et al. 2015 PMID: 25741868, with internal and published modifications).